The following is an entry in ClinVar:

ClinVar aggregate classification (germline): Benign. Review status: criteria provided, multiple submitters, no conflicts (2 of 4 stars). 2 submissions from 2 submitters: Benign (2). Last evaluated 2021-06-19.

Conditions:
Tay-Sachs disease, variant AB. Also called: GM2 Activator Deficiency; Gm2-gangliosidosis, ab variant. Identifiers: Orphanet 309246, MedGen C0268275, MONDO:0010099, OMIM 272750.

Allele frequency attached by ClinVar (database versions not stated): gnomAD exomes 0.04384 and 0.07285; ExAC 0.08097; ESP Exome Variant Server 0.08169; gnomAD 0.08805 and 0.08965; TOPMed 0.09546; 1000 Genomes Project 0.14517; 1000 Genomes Project 30x 0.14710.

Submissions (2):

GeneDx
Classification: Benign. Last evaluated: 2021-06-19. Review status: criteria provided, single submitter. Criteria: GeneDx Variant Classification Process June 2021. Collection method: clinical testing. Allele origin: germline. Affected: yes.

Illumina Laboratory Services, Illumina
Classification: Benign for Tay-Sachs disease, variant AB. Last evaluated: 2018-01-12. Review status: criteria provided, single submitter. Criteria: ICSL Variant Classification Criteria 13 December 2019. Collection method: clinical testing. Allele origin: germline.
Comment: This variant was observed in the ICSL laboratory as part of a predisposition screen in an ostensibly healthy population. It had not been previously curated by ICSL or reported in the Human Gene Mutation Database (HGMD: prior to June 1st, 2018), and was therefore a candidate for classification through an automated scoring system. Utilizing variant allele frequency, disease prevalence and penetrance estimates, and inheritance mode, an automated score was calculated to assess if this variant is too frequent to cause the disease. Based on the score and internal cut-off values, a variant classified as benign is not then subjected to further curation. The score for this variant resulted in a classification of benign for this disease.

NM_000405.5(GM2A):c.*144T>C

Gene: GM2A (ganglioside GM2 activator; plus strand). Cytogenetic location: 5q33.1.
Variant type: single nucleotide variant.
Coding change: c.*144T>C on transcript NM_000405.5 (MANE Select); 144 bases downstream of the stop codon, T replaced by C.
Molecular consequence: 3 prime UTR variant. On other transcripts: synonymous variant (1).
Genome position (GRCh38, 1-based): chr5:151,267,595, T>C. VCF-style: chr5-151267595-T-C. GRCh37 (hg19) VCF-style: chr5-150647156-T-C.
Other names: c.516T>C, p.Ile172= (NM_001167607.3).
Identifiers: ClinVar variation 352256 (VCV000352256.7), dbSNP rs9324686, ClinGen allele CA3518022.